The following is an entry in ClinVar:

ClinVar aggregate classification (germline): Uncertain significance (1 of 4 stars; one submission).

Conditions:
Cardiovascular phenotype. Identifiers: MedGen CN230736.

Submission:

Ambry Genetics
Classification: Uncertain significance for Cardiovascular phenotype. Last evaluated: 2023-09-24. Review status: criteria provided, single submitter. Criteria: Ambry Variant Classification Scheme 2023. Collection method: clinical testing. Allele origin: germline.
Comment: The p.L257F variant (also known as c.769C>T), located in coding exon 3 of the APOA1 gene, results from a C to T substitution at nucleotide position 769. The leucine at codon 257 is replaced by phenylalanine, an amino acid with highly similar properties. This amino acid position is conserved. In addition, this alteration is predicted to be tolerated by in silico analysis. Since supporting evidence is limited at this time, the clinical significance of this alteration remains unclear.

NM_000039.3(APOA1):c.769C>T (p.Leu257Phe)

Gene: APOA1 (apolipoprotein A1; minus strand). Cytogenetic location: 11q23.3.
Variant type: single nucleotide variant.
Coding change: c.769C>T on transcript NM_000039.3 (MANE Select); coding-DNA position 769, C replaced by T.
Protein change: p.Leu257Phe; replaces leucine 257 with phenylalanine.
Molecular consequence: missense variant.
Genome position (GRCh38, 1-based): chr11:116,835,843, G>A on the plus strand (C>T on the coding strand, the complement: APOA1 is on the minus strand). VCF-style: chr11-116835843-G-A. GRCh37 (hg19) VCF-style: chr11-116706559-G-A.
Other names: c.769C>T, p.Leu257Phe (NM_001318017.2, NM_001318018.2, NM_001425090.1); c.442C>T, p.Leu148Phe (NM_001318021.2, NM_001425091.1, NM_001425092.1); c.724C>T, p.Leu242Phe (NM_001425093.1); short protein forms L148F, L242F, L257F.
Identifiers: ClinVar variation 3231949 (VCV003231949.1), dbSNP rs2540287012, ClinGen allele CA382713805.